The following is an entry in ClinVar:

ClinVar aggregate classification (germline): Uncertain significance. Review status: criteria provided, multiple submitters, no conflicts (2 of 4 stars). 2 submissions from 2 submitters: Uncertain significance (2). Last evaluated 2022-07-19.

Allele frequency attached by ClinVar (database versions not stated): ExAC 0.00001; gnomAD 0.00001; gnomAD exomes 0.00001; TOPMed 0.00001.
gnomAD v4.1: 7 of 1,614,012 alleles (0.00043%); highest among the groups gnomAD compares: Admixed American, 0.0033%; no homozygotes.

Submissions (2):

Labcorp Genetics (formerly Invitae), Labcorp
Classification: Uncertain significance. Last evaluated: 2022-07-19. Review status: criteria provided, single submitter. Criteria: Invitae Variant Classification Sherloc (09022015). Collection method: clinical testing. Allele origin: germline.
Comment: This sequence change replaces proline, which is neutral and non-polar, with leucine, which is neutral and non-polar, at codon 248 of the SLC7A14 protein (p.Pro248Leu). This variant is present in population databases (rs759940693, gnomAD 0.002%). This variant has not been reported in the literature in individuals affected with SLC7A14-related conditions. Algorithms developed to predict the effect of missense changes on protein structure and function are either unavailable or do not agree on the potential impact of this missense change (SIFT: "Tolerated"; PolyPhen-2: "Probably Damaging"; Align-GVGD: "Class C0"). In summary, the available evidence is currently insufficient to determine the role of this variant in disease. Therefore, it has been classified as a Variant of Uncertain Significance.

Ambry Genetics
Classification: Uncertain significance. Last evaluated: 2022-05-25. Review status: criteria provided, single submitter. Criteria: Ambry Variant Classification Scheme 2023. Collection method: clinical testing. Allele origin: germline.

NM_020949.3(SLC7A14):c.743C>T (p.Pro248Leu)

Genes: SLC7A14 (solute carrier family 7 member 14; minus strand), SLC7A14-AS1 (SLC7A14 antisense RNA 1; plus strand). Cytogenetic location: 3q26.2.
Variant type: single nucleotide variant.
Coding change: c.743C>T on transcript NM_020949.3 (MANE Select); coding-DNA position 743, C replaced by T.
Protein change: p.Pro248Leu; replaces proline 248 with leucine.
Molecular consequence: missense variant.
Genome position (GRCh38, 1-based): chr3:170,498,683, G>A on the plus strand (C>T on the coding strand, the complement: SLC7A14 is on the minus strand). VCF-style: chr3-170498683-G-A. GRCh37 (hg19) VCF-style: chr3-170216472-G-A.
Other names: short protein forms P248L.
Identifiers: ClinVar variation 1918585 (VCV001918585.6), dbSNP rs759940693, ClinGen allele CA2701843.